The following is an entry in ClinVar:

ClinVar aggregate classification (germline): Benign. Review status: criteria provided, multiple submitters, no conflicts (2 of 4 stars). 8 submissions from 8 submitters: Benign (8). Last evaluated 2026-02-04.

Conditions:
Imerslund-Grasbeck syndrome type 1 (IGS1). Also called: Megaloblastic anemia 1, Finnish type; MEGALOBLASTIC ANEMIA, 1; Imerslund-Gräsbeck syndrome 1. Identifiers: MedGen C4016819, MONDO:0100156, OMIM 261100.
Imerslund-Grasbeck syndrome. Also called: ENTEROCYTE COBALAMIN MALABSORPTION; ENTEROCYTE INTRINSIC FACTOR RECEPTOR, DEFECT OF; Imerslund-Gräsbeck syndrome; PERNICIOUS ANEMIA, JUVENILE, DUE TO SELECTIVE INTESTINAL MALABSORPTION OF VITAMIN B12, WITH PROTEINURIA; Megaloblastic anemia due to inborn errors of metabolism. Identifiers: Orphanet 35858, MedGen C4551825, MONDO:0009853.

Allele frequency attached by ClinVar (database versions not stated): ESP Exome Variant Server 0.33569; gnomAD 0.34517 and 0.35506; TOPMed 0.35159; 1000 Genomes Project 30x 0.35462; 1000 Genomes Project 0.35603; ExAC 0.42517; gnomAD exomes 0.43721 and 0.44430.
gnomAD v4.1: 702,570 of 1,612,952 alleles (44%); highest among the groups gnomAD compares: East Asian, 53%; 158,344 homozygotes.

Submissions (8):

Labcorp Genetics (formerly Invitae), Labcorp
Classification: Benign for Imerslund-Grasbeck syndrome. Last evaluated: 2026-02-04. Review status: criteria provided, single submitter. Criteria: Invitae Variant Classification Sherloc (09022015). Collection method: clinical testing. Allele origin: germline.

Blueprint Genetics
Classification: Benign. Last evaluated: 2024-11-27. Review status: criteria provided, single submitter. Criteria: ACMG Guidelines, 2015. Collection method: clinical testing. Allele origin: germline.

Mayo Clinic Laboratories, Mayo Clinic
Classification: Benign. Last evaluated: 2022-03-09. Review status: criteria provided, single submitter. Criteria: ACMG Guidelines, 2015. Collection method: clinical testing. Allele origin: germline. Observed: 166 variant alleles.

Genome-Nilou Lab
Classification: Benign for Imerslund-Grasbeck syndrome type 1. Last evaluated: 2021-07-30. Review status: criteria provided, single submitter. Criteria: ACMG Guidelines, 2015. Collection method: clinical testing. Allele origin: germline. Affected: no.

GeneDx
Classification: Benign. Last evaluated: 2018-07-07. Review status: criteria provided, single submitter. Criteria: GeneDx Variant Classification Process June 2021. Collection method: clinical testing. Allele origin: germline. Affected: yes.

Illumina Laboratory Services, Illumina
Classification: Benign for Imerslund-Grasbeck syndrome type 1. Last evaluated: 2018-01-13. Review status: criteria provided, single submitter. Criteria: ICSL Variant Classification Criteria 13 December 2019. Collection method: clinical testing. Allele origin: germline.
Comment: This variant was observed in the ICSL laboratory as part of a predisposition screen in an ostensibly healthy population. It had not been previously curated by ICSL or reported in the Human Gene Mutation Database (HGMD: prior to June 1st, 2018), and was therefore a candidate for classification through an automated scoring system. Utilizing variant allele frequency, disease prevalence and penetrance estimates, and inheritance mode, an automated score was calculated to assess if this variant is too frequent to cause the disease. Based on the score and internal cut-off values, a variant classified as benign is not then subjected to further curation. The score for this variant resulted in a classification of benign for this disease.

Laboratory for Molecular Medicine, Mass General Brigham Personalized Medicine
Classification: Benign. Last evaluated: 2016-03-21. Review status: criteria provided, single submitter. Criteria: LMM Criteria. Collection method: clinical testing. Allele origin: germline. Observed: 1 variant allele.
Comment: p.Ser829Ser in exon 19 of CUBN: This variant is not expected to have clinical si gnificance because it does not alter an amino acid residue, is not located withi n the splice consensus sequence, and has been identified in 55.00% (4717/8576) o f East Asian chromosomes by the Exome Aggregation Consortium (ExAC.; dbSNP rs1801225).

Breakthrough Genomics
Classification: Benign. Review status: criteria provided, single submitter. Criteria: ACMG Guidelines, 2015. Collection method: not provided. Allele origin: germline. Inheritance: Autosomal recessive inheritance. Affected: yes.

NM_001081.4(CUBN):c.2487G>A (p.Ser829=)

Gene: CUBN (cubilin; minus strand). Cytogenetic location: 10p13.
Variant type: single nucleotide variant.
Coding change: c.2487G>A on transcript NM_001081.4 (MANE Select); coding-DNA position 2487, G replaced by A.
Protein change: p.Ser829=; no amino-acid change (serine 829 retained).
Molecular consequence: synonymous variant.
Genome position (GRCh38, 1-based): chr10:17,071,564, C>T on the plus strand (G>A on the coding strand, the complement: CUBN is on the minus strand). VCF-style: chr10-17071564-C-T. GRCh37 (hg19) VCF-style: chr10-17113563-C-T.
Other names: p.Ser829=.
Identifiers: ClinVar variation 299504 (VCV000299504.24), dbSNP rs1801225, ClinGen allele CA5424961.
Genomic context (GRCh38, chr10:17,071,564, plus strand): 5'-GGGCTGGTGGATGGTCCACCTACAGGTTCTTTCTCCAGGATACACGTTAGGAAAAAAAGG[C>T]GAGCGAATGACCCCTTCTCCAGTTAATTCATCCCCGCAAGCTGTAAGCATAAAAATTATA-3'
Protein context (NP_001072.2, residues 819-839): DELTGEGVIR[Ser829=]PFFPNVYPGE